The following is an entry in ClinVar:

NM_001868.4(CPA1):c.989A>T (p.Asp330Val)

Gene: CPA1 (carboxypeptidase A1; plus strand). Cytogenetic location: 7q32.2.
Variant type: single nucleotide variant.
Coding change: c.989A>T on transcript NM_001868.4 (MANE Select); coding-DNA position 989, A replaced by T.
Protein change: p.Asp330Val; replaces aspartic acid 330 with valine.
Molecular consequence: missense variant.
Genome position (GRCh38, 1-based): chr7:130,385,840, A>T. VCF-style: chr7-130385840-A-T. GRCh37 (hg19) VCF-style: chr7-130025681-A-T.
Other names: short protein forms D330V.
Identifiers: ClinVar variation 2496927 (VCV002496927.3), dbSNP rs1389615597, ClinGen allele CA369283973.

ClinVar aggregate classification (germline): Uncertain significance (1 of 4 stars; one submission).

Conditions:
Hereditary pancreatitis (PCTT). Also called: Hereditary chronic pancreatitis; PRSS1-Related Hereditary Pancreatitis. Identifiers: Orphanet 676, MedGen C0238339, MONDO:0008185, OMIM 167800.

Allele frequency attached by ClinVar (database versions not stated): TOPMed below 0.00001; gnomAD 0.00001.
gnomAD v4.1: 1 of 1,613,654 alleles (0.000062%); highest among the groups gnomAD compares: Admixed American, 0.0017%; no homozygotes.

Submission:

Ambry Genetics
Classification: Uncertain significance for Hereditary pancreatitis. Last evaluated: 2025-10-16. Review status: criteria provided, single submitter. Criteria: Ambry Variant Classification Scheme 2023. Collection method: clinical testing. Allele origin: germline.
Comment: The p.D330V variant (also known as c.989A>T), located in coding exon 9 of the CPA1 gene, results from an A to T substitution at nucleotide position 989. The aspartic acid at codon 330 is replaced by valine, an amino acid with highly dissimilar properties. This amino acid position is conserved. In addition, this alteration is predicted to be tolerated by in silico analysis. Since supporting evidence is limited at this time, the clinical significance of this alteration remains unclear.